The following is an entry in ClinVar:

ClinVar aggregate classification (germline): Uncertain significance. Review status: criteria provided, multiple submitters, no conflicts (2 of 4 stars). 2 submissions from 2 submitters: Uncertain significance (2). Last evaluated 2025-08-26.

Conditions:
Inborn genetic diseases. Identifiers: MedGen C0950123, MeSH D030342.

gnomAD v4.1: 8 of 1,612,432 alleles (0.0005%); highest among the groups gnomAD compares: South Asian, 0.0011%; no homozygotes.

Submissions (2):

Ambry Genetics
Classification: Uncertain significance for Inborn genetic diseases. Last evaluated: 2025-08-26. Review status: criteria provided, single submitter. Criteria: Ambry Variant Classification Scheme 2023. Collection method: clinical testing. Allele origin: germline.

Labcorp Genetics (formerly Invitae), Labcorp
Classification: Uncertain significance. Last evaluated: 2024-07-02. Review status: criteria provided, single submitter. Criteria: Invitae Variant Classification Sherloc (09022015). Collection method: clinical testing. Allele origin: germline.
Comment: This sequence change replaces arginine, which is basic and polar, with cysteine, which is neutral and slightly polar, at codon 319 of the KDF1 protein (p.Arg319Cys). This variant is present in population databases (rs750772780, gnomAD 0.009%). This variant has not been reported in the literature in individuals affected with KDF1-related conditions. Advanced modeling of protein sequence and biophysical properties (such as structural, functional, and spatial information, amino acid conservation, physicochemical variation, residue mobility, and thermodynamic stability) performed at Invitae indicates that this missense variant is not expected to disrupt KDF1 protein function with a negative predictive value of 80%. In summary, the available evidence is currently insufficient to determine the role of this variant in disease. Therefore, it has been classified as a Variant of Uncertain Significance.

NM_152365.3(KDF1):c.955C>T (p.Arg319Cys)

Gene: KDF1 (keratinocyte differentiation factor 1; minus strand). Cytogenetic location: 1p36.11.
Variant type: single nucleotide variant.
Coding change: c.955C>T on transcript NM_152365.3 (MANE Select); coding-DNA position 955, C replaced by T.
Protein change: p.Arg319Cys; replaces arginine 319 with cysteine.
Molecular consequence: missense variant.
Genome position (GRCh38, 1-based): chr1:26,951,426, G>A on the plus strand (C>T on the coding strand, the complement: KDF1 is on the minus strand). VCF-style: chr1-26951426-G-A. GRCh37 (hg19) VCF-style: chr1-27277917-G-A.
Other names: c.955C>T (NM_152365.2); short protein forms R319C.
Identifiers: ClinVar variation 3715062 (VCV003715062.3).